The following is an entry in ClinVar:

NM_004667.6(HERC2):c.8639A>C (p.Asp2880Ala)

Gene: HERC2 (HECT and RLD domain containing E3 ubiquitin protein ligase 2; minus strand). Cytogenetic location: 15q13.1.
Variant type: single nucleotide variant.
Coding change: c.8639A>C on transcript NM_004667.6 (MANE Select); coding-DNA position 8639, A replaced by C.
Protein change: p.Asp2880Ala; replaces aspartic acid 2880 with alanine.
Molecular consequence: missense variant.
Genome position (GRCh38, 1-based): chr15:28,190,975, T>G on the plus strand (A>C on the coding strand, the complement: HERC2 is on the minus strand). VCF-style: chr15-28190975-T-G. GRCh37 (hg19) VCF-style: chr15-28436121-T-G.
Other names: short protein forms D2880A.
Identifiers: ClinVar variation 4540307 (VCV004540307.1).

ClinVar aggregate classification (germline): Uncertain significance (1 of 4 stars; one submission).

Submission:

GeneDx
Classification: Uncertain significance. Last evaluated: 2025-06-23. Review status: criteria provided, single submitter. Criteria: GeneDx Variant Classification Process June 2021. Collection method: clinical testing. Allele origin: germline. Affected: yes.
Comment: Not observed at significant frequency in large population cohorts (gnomAD); In silico analysis supports that this missense variant has a deleterious effect on protein structure/function; Has not been previously published as pathogenic or benign to our knowledge